The following is an entry in ClinVar:

NM_000044.6(AR):c.2359C>T (p.Arg787Ter)

Gene: AR (androgen receptor; plus strand). Cytogenetic location: Xq12.
Variant type: single nucleotide variant.
Coding change: c.2359C>T on transcript NM_000044.6 (MANE Select); coding-DNA position 2359, C replaced by T.
Protein change: p.Arg787Ter; replaces arginine 787 with a stop codon.
Molecular consequence: nonsense.
Genome position (GRCh38, 1-based): chrX:67,721,873, C>T. VCF-style: chrX-67721873-C-T. GRCh37 (hg19) VCF-style: chrX-66941715-C-T.
Other names: c.763C>T, p.Arg255Ter (NM_001011645.3); short protein forms R787*, R255*.
Identifiers: ClinVar variation 458364 (VCV000458364.14), dbSNP rs1555997580, ClinGen allele CA413426582.

ClinVar aggregate classification (germline): Pathogenic. Review status: criteria provided, multiple submitters, no conflicts (2 of 4 stars). 4 submissions from 4 submitters: Pathogenic (4). Last evaluated 2024-12-04.

Conditions:
Androgen resistance syndrome (AIS). Also called: ANDROGEN RECEPTOR DEFICIENCY; DIHYDROTESTOSTERONE RECEPTOR DEFICIENCY; Androgen insensitivity syndrome; TESTICULAR FEMINIZATION SYNDROME; Androgen insensitivity; Androgen insensitivity syndrome due to coactivator deficiency. Identifiers: Orphanet 754, Orphanet 99429, MedGen C0039585, MONDO:0019154, OMIM 300068. Disease mechanism: loss of function.
Kennedy disease (SMAX1). Also called: SPINAL AND BULBAR MUSCULAR ATROPHY, X-LINKED 1; Spinal and Bulbar Muscular Atrophy; KENNEDY SPINAL AND BULBAR MUSCULAR ATROPHY. Identifiers: Orphanet 481, MedGen C1839259, MONDO:0010735, OMIM 313200.

Submissions (4):

Institute of Medical Genetics and Applied Genomics, University Hospital Tübingen
Classification: Pathogenic for Androgen resistance syndrome. Last evaluated: 2024-12-04. Review status: criteria provided, single submitter. Criteria: ACMG Guidelines, 2015. Collection method: clinical testing. Allele origin: germline. Inheritance: X-linked recessive inheritance. Affected: yes.

Labcorp Genetics (formerly Invitae), Labcorp
Classification: Pathogenic for Kennedy disease; Androgen resistance syndrome. Last evaluated: 2023-08-31. Review status: criteria provided, single submitter. Criteria: Invitae Variant Classification Sherloc (09022015). Collection method: clinical testing. Allele origin: germline.
Comment: This sequence change creates a premature translational stop signal (p.Arg787*) in the AR gene. It is expected to result in an absent or disrupted protein product. Loss-of-function variants in AR are known to be pathogenic (PMID: 19463997). This variant is not present in population databases (gnomAD no frequency). This premature translational stop signal has been observed in individual(s) with disorders of sex development (PMID: 1458719, 26980296). This variant is also known as R785Ter. ClinVar contains an entry for this variant (Variation ID: 458364). For these reasons, this variant has been classified as Pathogenic.

Genetic Services Laboratory, University of Chicago
Classification: Pathogenic. Last evaluated: 2020-03-17. Review status: criteria provided, single submitter. Criteria: ACMG Guidelines, 2015. Collection method: clinical testing. Allele origin: germline. Affected: yes.
Comment: DNA sequence analysis of the AR gene demonstrated a sequence change, c.2359C>T, which results in the creation of a premature stop codon at amino acid position 787, p.Arg787*. This sequence change is predicted to result in an abnormal transcript, which may be degraded, or may lead to the production of a truncated AR protein with potentially abnormal function. This sequence change has previously been described in a patient with complete androgen insensitivity syndrome (CAIS) who presented with normal female genitalia, and absent m√É¬ºllerian derivatives (PMID: 31499074). This sequence change is absent from the large population databases (ExAC and gnomAD). These collective evidences indicate that this sequence change is pathogenic; however functional studies have not been performed to prove this conclusively.

Seattle Children's Hospital Molecular Genetics Laboratory, Seattle Children's Hospital
Classification: Pathogenic for Androgen resistance syndrome. Review status: criteria provided, single submitter. Criteria: ACMG Guidelines, 2015. Collection method: clinical testing. Allele origin: germline. Affected: yes.
Comment: The p.Arg787* variant introduces a premature stop codon at amino acid position 787 within exon six (of eight total exons) and is predicted to result in loss-of-function of the androgen receptor. This variant has been observed in multiple unrelated individuals with differences in sex development (DSD), including androgen insensitivity syndrome (AIS, MIM #300068) (PMID: 26980296, PMID: 31499074). Loss-of-function is an established disease mechanism of AIS and other nonsense and frameshift variants in this region have been reported in affected individuals (PMID: 15724799, PMID: 30668521).

Literature cited by the submitters: PubMed 19463997 (cited by Labcorp Genetics (formerly Invitae), Labcorp); PubMed 1458719 (cited by Labcorp Genetics (formerly Invitae), Labcorp); PubMed 26980296 (cited by Labcorp Genetics (formerly Invitae), Labcorp).